The following is an entry in ClinVar:

ClinVar aggregate classification (germline): Pathogenic (1 of 4 stars; one submission).

Submission:

Labcorp Genetics (formerly Invitae), Labcorp
Classification: Pathogenic. Last evaluated: 2021-04-06. Review status: criteria provided, single submitter. Criteria: Invitae Variant Classification Sherloc (09022015). Collection method: clinical testing. Allele origin: germline.
Comment: For these reasons, this variant has been classified as Pathogenic. This variant has not been reported in the literature in individuals with COL7A1-related conditions. This variant is not present in population databases (ExAC no frequency). This sequence change creates a premature translational stop signal (p.Gln2107*) in the COL7A1 gene. It is expected to result in an absent or disrupted protein product. Loss-of-function variants in COL7A1 are known to be pathogenic (PMID: 16971478).

Literature cited by the submitters: PubMed 16971478.

NM_000094.4(COL7A1):c.6319C>T (p.Gln2107Ter)

Gene: COL7A1 (collagen type VII alpha 1 chain; minus strand). Cytogenetic location: 3p21.31.
Variant type: single nucleotide variant.
Coding change: c.6319C>T on transcript NM_000094.4 (MANE Select); coding-DNA position 6319, C replaced by T.
Protein change: p.Gln2107Ter; replaces glutamine 2107 with a stop codon.
Molecular consequence: nonsense.
Genome position (GRCh38, 1-based): chr3:48,574,826, G>A on the plus strand (C>T on the coding strand, the complement: COL7A1 is on the minus strand). VCF-style: chr3-48574826-G-A. GRCh37 (hg19) VCF-style: chr3-48612259-G-A.
Other names: short protein forms Q2107*.
Identifiers: ClinVar variation 1429712 (VCV001429712.6), dbSNP rs2107670284, ClinGen allele CA352659785.